The following is an entry in ClinVar:

ClinVar aggregate classification (germline): Uncertain significance (1 of 4 stars; one submission).

Conditions:
Hereditary cancer-predisposing syndrome. Also called: Neoplastic Syndromes, Hereditary; Tumor predisposition; Hereditary Cancer Syndrome; Hereditary neoplastic syndrome. Identifiers: Orphanet 140162, MedGen C0027672, MeSH D009386, MONDO:0015356.

Submission:

Ambry Genetics
Classification: Uncertain significance for Hereditary cancer-predisposing syndrome. Last evaluated: 2022-01-28. Review status: criteria provided, single submitter. Criteria: Ambry Variant Classification Scheme 2023. Collection method: clinical testing. Allele origin: germline.
Comment: The p.P239R variant (also known as c.716C>G), located in coding exon 1 of the MET gene, results from a C to G substitution at nucleotide position 716. The proline at codon 239 is replaced by arginine, an amino acid with dissimilar properties. This amino acid position is conserved. In addition, the in silico prediction for this alteration is inconclusive. Since supporting evidence is limited at this time, the clinical significance of this alteration remains unclear.

NM_000245.4(MET):c.716C>G (p.Pro239Arg)

Gene: MET (MET proto-oncogene, receptor tyrosine kinase; plus strand). Cytogenetic location: 7q31.2.
Variant type: single nucleotide variant.
Coding change: c.716C>G on transcript NM_000245.4 (MANE Select); coding-DNA position 716, C replaced by G.
Protein change: p.Pro239Arg; replaces proline 239 with arginine.
Molecular consequence: missense variant. On other transcripts: intron variant (1).
Genome position (GRCh38, 1-based): chr7:116,699,800, C>G. VCF-style: chr7-116699800-C-G. GRCh37 (hg19) VCF-style: chr7-116339854-C-G.
Other names: c.716C>G, p.Pro239Arg (NM_001127500.3, NM_001324401.3); c.-91+27223C>G (NM_001324402.2); short protein forms P239R.
Identifiers: ClinVar variation 1757466 (VCV001757466.2), dbSNP rs45551737, ClinGen allele CA164888890.